The following is an entry in ClinVar:

ClinVar aggregate classification (germline): Conflicting classifications of pathogenicity. Review status: criteria provided, conflicting classifications (1 of 4 stars). 3 submissions from 3 submitters: Uncertain significance (2); Likely benign (1). Last evaluated 2025-03-13.

Conditions:
Hereditary cancer-predisposing syndrome. Also called: Neoplastic Syndromes, Hereditary; Hereditary neoplastic syndrome; Tumor predisposition; Hereditary Cancer Syndrome. Identifiers: Orphanet 140162, MedGen C0027672, MeSH D009386, MONDO:0015356.
Fanconi anemia complementation group O. Also called: RAD51C-Related Fanconi Anemia. Identifiers: Orphanet 84, MedGen C3150653, MONDO:0013248, OMIM 613390.

Allele frequency attached by ClinVar (database versions not stated): ESP Exome Variant Server 0.00008.
gnomAD v4.1: 2 of 1,614,064 alleles (0.00012%); highest among the groups gnomAD compares: Non-Finnish European, 0.00017%; no homozygotes.

Submissions (3):

Labcorp Genetics (formerly Invitae), Labcorp
Classification: Uncertain significance for Fanconi anemia complementation group O. Last evaluated: 2025-03-13. Review status: criteria provided, single submitter. Criteria: Invitae Variant Classification Sherloc (09022015). Collection method: clinical testing. Allele origin: germline.
Comment: This sequence change replaces lysine, which is basic and polar, with asparagine, which is neutral and polar, at codon 83 of the RAD51C protein (p.Lys83Asn). This variant is not present in population databases (gnomAD no frequency). This variant has not been reported in the literature in individuals affected with RAD51C-related conditions. ClinVar contains an entry for this variant (Variation ID: 840567). Invitae Evidence Modeling of protein sequence and biophysical properties (such as structural, functional, and spatial information, amino acid conservation, physicochemical variation, residue mobility, and thermodynamic stability) indicates that this missense variant is not expected to disrupt RAD51C protein function with a negative predictive value of 80%. In summary, the available evidence is currently insufficient to determine the role of this variant in disease. Therefore, it has been classified as a Variant of Uncertain Significance.

Ambry Genetics
Classification: Likely benign for Hereditary cancer-predisposing syndrome. Last evaluated: 2024-02-26. Review status: criteria provided, single submitter. Criteria: Ambry Variant Classification Scheme 2023. Collection method: clinical testing. Allele origin: germline.

Women's Health and Genetics/Laboratory Corporation of America, LabCorp
Classification: Uncertain significance. Last evaluated: 2022-09-22. Review status: criteria provided, single submitter. Criteria: LabCorp Variant Classification Summary - May 2015. Collection method: clinical testing. Allele origin: germline.

NM_058216.3(RAD51C):c.249G>C (p.Lys83Asn)

Gene: RAD51C (RAD51 paralog C; plus strand). Cytogenetic location: 17q22.
Variant type: single nucleotide variant.
Coding change: c.249G>C on transcript NM_058216.3 (MANE Select); coding-DNA position 249, G replaced by C.
Protein change: p.Lys83Asn; replaces lysine 83 with asparagine.
Molecular consequence: missense variant. On other transcripts: non-coding transcript variant (2).
Genome position (GRCh38, 1-based): chr17:58,695,034, G>C. VCF-style: chr17-58695034-G-C. GRCh37 (hg19) VCF-style: chr17-56772395-G-C.
Other names: c.249G>C, p.Lys83Asn (NM_002876.4); short protein forms K83N.
Identifiers: ClinVar variation 840567 (VCV000840567.11), dbSNP rs145387081, ClinGen allele CA292048882.